The following is an entry in ClinVar:

NM_000206.3(IL2RG):c.866G>A (p.Arg289Gln)

Gene: IL2RG (interleukin 2 receptor subunit gamma; minus strand). Cytogenetic location: Xq13.1.
Variant type: single nucleotide variant.
Coding change: c.866G>A on transcript NM_000206.3 (MANE Select); coding-DNA position 866, G replaced by A.
Protein change: p.Arg289Gln; replaces arginine 289 with glutamine.
Molecular consequence: missense variant.
Genome position (GRCh38, 1-based): chrX:71,108,335, C>T on the plus strand (G>A on the coding strand, the complement: IL2RG is on the minus strand). VCF-style: chrX-71108335-C-T. GRCh37 (hg19) VCF-style: chrX-70328185-C-T.
Other names: short protein forms R289Q.
Identifiers: ClinVar variation 1400762 (VCV001400762.7), dbSNP rs774953764, ClinGen allele CA10443788.

ClinVar aggregate classification (germline): Uncertain significance (1 of 4 stars; one submission).

Conditions:
X-linked severe combined immunodeficiency (SCIDX1). Also called: IMMUNODEFICIENCY 4; SCID, X-LINKED; SEVERE COMBINED IMMUNODEFICIENCY, X-LINKED, T CELL-NEGATIVE, B CELL-POSITIVE, NK CELL-NEGATIVE; T-B+ severe combined immunodeficiency due to gamma chain deficiency; X-Linked Combined Immunodeficiency Diseases. Identifiers: Orphanet 276, MedGen C6022468, MONDO:0010315, OMIM 300400. Disease mechanism: loss of function.

Allele frequency attached by ClinVar (database versions not stated): gnomAD exomes 0.00001 and 0.00002; TOPMed 0.00001; ExAC 0.00002.
gnomAD v4.1: 11 of 1,199,007 alleles (0.00092%); highest among the groups gnomAD compares: Middle Eastern, 0.023%; no homozygotes.

Submission:

Labcorp Genetics (formerly Invitae), Labcorp
Classification: Uncertain significance for X-linked severe combined immunodeficiency. Last evaluated: 2024-05-16. Review status: criteria provided, single submitter. Criteria: Invitae Variant Classification Sherloc (09022015). Collection method: clinical testing. Allele origin: germline.
Comment: This sequence change replaces arginine, which is basic and polar, with glutamine, which is neutral and polar, at codon 289 of the IL2RG protein (p.Arg289Gln). This variant is present in population databases (rs774953764, gnomAD 0.01%). This variant has not been reported in the literature in individuals affected with IL2RG-related conditions. ClinVar contains an entry for this variant (Variation ID: 1400762). Advanced modeling of protein sequence and biophysical properties (such as structural, functional, and spatial information, amino acid conservation, physicochemical variation, residue mobility, and thermodynamic stability) performed at Invitae indicates that this missense variant is not expected to disrupt IL2RG protein function with a negative predictive value of 80%. In summary, the available evidence is currently insufficient to determine the role of this variant in disease. Therefore, it has been classified as a Variant of Uncertain Significance.